The following is an entry in ClinVar:

NM_019844.4(SLCO1B3):c.1387T>C (p.Cys463Arg)

Genes: SLCO1B3 (solute carrier organic anion transporter family member 1B3; plus strand), SLCO1B3-SLCO1B7 (SLCO1B3-SLCO1B7 readthrough; plus strand). Cytogenetic location: 12p12.2.
Variant type: single nucleotide variant.
Coding change: c.1387T>C on transcript NM_019844.4 (MANE Select); coding-DNA position 1387, T replaced by C.
Protein change: p.Cys463Arg; replaces cysteine 463 with arginine.
Molecular consequence: missense variant.
Genome position (GRCh38, 1-based): chr12:20,880,910, T>C. VCF-style: chr12-20880910-T-C. GRCh37 (hg19) VCF-style: chr12-21033844-T-C.
Other names: c.1387T>C, p.Cys463Arg (NM_001371097.1); c.1303T>C, p.Cys435Arg (NM_001349920.2); short protein forms C435R, C463R.
Identifiers: ClinVar variation 4984183 (VCV004984183.1).

ClinVar aggregate classification (germline): Uncertain significance (1 of 4 stars; one submission).

Conditions:
SLCO1B3-related disorder. Also called: SLCO1B3-related condition.

Submission:

PreventionGenetics, part of Exact Sciences
Classification: Uncertain significance for SLCO1B3-related condition. Last evaluated: 2026-06-30. Review status: criteria provided, single submitter. Criteria: ACMG Guidelines, 2015. Collection method: clinical testing. Allele origin: germline.
Comment: The SLCO1B3 c.1387T>C variant is predicted to result in the amino acid substitution p.Cys463Arg. To our knowledge, this variant has not been reported in the literature. This variant is reported in 0.0033% of alleles in individuals of South Asian descent in gnomAD. At this time, the clinical significance of this variant is uncertain due to the absence of conclusive functional and genetic evidence.